The following is an entry in ClinVar:

ClinVar aggregate classification (germline): Uncertain significance (1 of 4 stars; one submission).

gnomAD v4.1: 3 of 1,613,972 alleles (0.00019%); highest among the groups gnomAD compares: Non-Finnish European, 0.00025%; no homozygotes.

Submission:

Dasa
Classification: Uncertain significance. Last evaluated: 2025-12-30. Review status: criteria provided, single submitter. Criteria: DASA Assertion Criteria. Collection method: clinical testing. Allele origin: germline.
Comment: NM_030665.4(RAI1):c.560A>G (p.Lys187Arg) is a missense variant that results in the substitution of lysine with arginine. This variant is rare in population databases. Computational prediction algorithms are consistent with a benign effect. The currently available literature and clinical evidence are not sufficient to establish a definitive association between this variant and the reported condition. Therefore, this variant is classified as a variant of uncertain significance.

NM_030665.4(RAI1):c.560A>G (p.Lys187Arg)

Gene: RAI1 (retinoic acid induced 1; plus strand). Cytogenetic location: 17p11.2.
Variant type: single nucleotide variant.
Coding change: c.560A>G on transcript NM_030665.4 (MANE Select); coding-DNA position 560, A replaced by G.
Protein change: p.Lys187Arg; replaces lysine 187 with arginine.
Molecular consequence: missense variant.
Genome position (GRCh38, 1-based): chr17:17,793,508, A>G. VCF-style: chr17-17793508-A-G. GRCh37 (hg19) VCF-style: chr17-17696822-A-G.
Other names: short protein forms K187R.
Identifiers: ClinVar variation 4883466 (VCV004883466.2).